The following is an entry in ClinVar:

NM_000535.7(PMS2):c.1361T>C (p.Leu454Pro)

Gene: PMS2 (PMS1 homolog 2, mismatch repair system component; minus strand). Cytogenetic location: 7p22.1.
Variant type: single nucleotide variant.
Coding change: c.1361T>C on transcript NM_000535.7 (MANE Select); coding-DNA position 1361, T replaced by C.
Protein change: p.Leu454Pro; replaces leucine 454 with proline.
Molecular consequence: missense variant. On other transcripts: non-coding transcript variant (1).
Genome position (GRCh38, 1-based): chr7:5,987,404, A>G on the plus strand (T>C on the coding strand, the complement: PMS2 is on the minus strand). VCF-style: chr7-5987404-A-G. GRCh37 (hg19) VCF-style: chr7-6027035-A-G.
Other names: c.956T>C, p.Leu319Pro (NM_001322003.2, NM_001322004.2, NM_001322005.2 and 1 more transcripts); c.1205T>C, p.Leu402Pro (NM_001322006.2); c.1043T>C, p.Leu348Pro (NM_001322007.2, NM_001322008.2); c.800T>C, p.Leu267Pro (NM_001322010.2); c.428T>C, p.Leu143Pro (NM_001322011.2, NM_001322012.2); c.788T>C, p.Leu263Pro (NM_001322013.2); c.1361T>C, p.Leu454Pro (NM_001322014.2); c.1052T>C, p.Leu351Pro (NM_001322015.2); short protein forms L454P, L143P, L263P, L348P, L351P, L402P, L319P, L267P.
Identifiers: ClinVar variation 411076 (VCV000411076.21), dbSNP rs772659239, ClinGen allele CA043156.

ClinVar aggregate classification (germline): Conflicting classifications of pathogenicity. Review status: criteria provided, conflicting classifications (1 of 4 stars). 4 submissions from 4 submitters: Uncertain significance (3); Likely benign (1). Last evaluated 2025-10-16.

Conditions:
Lynch syndrome. Identifiers: Orphanet 144, MedGen C4552100, MONDO:0005835. Disease mechanism: loss of function.
Hereditary nonpolyposis colorectal neoplasms. Identifiers: MedGen C0009405, MeSH D003123.
Hereditary cancer-predisposing syndrome. Also called: Tumor predisposition; Hereditary Cancer Syndrome; Hereditary neoplastic syndrome; Neoplastic Syndromes, Hereditary. Identifiers: Orphanet 140162, MedGen C0027672, MeSH D009386, MONDO:0015356.

Allele frequency attached by ClinVar (database versions not stated): gnomAD 0.00001; ExAC 0.00002; gnomAD exomes 0.00002; TOPMed 0.00004.

Submissions (4):

Labcorp Genetics (formerly Invitae), Labcorp
Classification: Uncertain significance for Hereditary nonpolyposis colorectal neoplasms. Last evaluated: 2025-10-16. Review status: criteria provided, single submitter. Criteria: Invitae Variant Classification Sherloc (09022015). Collection method: clinical testing. Allele origin: germline.
Comment: This sequence change replaces leucine, which is neutral and non-polar, with proline, which is neutral and non-polar, at codon 454 of the PMS2 protein (p.Leu454Pro). This variant is present in population databases (rs772659239, gnomAD 0.02%). This missense change has been observed in individual(s) with breast cancer (PMID: 35449176). ClinVar contains an entry for this variant (Variation ID: 411076). Invitae Evidence Modeling incorporating data from in vitro experimental studies (internal data) indicates that this missense variant is not expected to disrupt PMS2 function with a negative predictive value of 95%. In summary, the available evidence is currently insufficient to determine the role of this variant in disease. Therefore, it has been classified as a Variant of Uncertain Significance.

All of Us Research Program, National Institutes of Health
Classification: Uncertain significance for Lynch syndrome. Last evaluated: 2023-12-18. Review status: criteria provided, single submitter. Criteria: ACMG Guidelines, 2015. Collection method: clinical testing. Allele origin: germline. Inheritance: Autosomal dominant inheritance. Observed: 7 variant alleles, 7 heterozygotes.
Comment: This missense variant replaces leucine with proline at codon 454 of the PMS2 protein. Computational prediction suggests that this variant may not impact protein structure and function (internally defined REVEL score threshold <= 0.5, PMID: 27666373). Splice site prediction tools suggest that this variant may not impact RNA splicing. To our knowledge, functional studies have not been performed for this variant. This variant has not been reported in individuals affected with hereditary cancer in the literature. This variant has been identified in 4/251488 chromosomes in the general population by the Genome Aggregation Database (gnomAD). The available evidence is insufficient to determine the role of this variant in disease conclusively. Therefore, this variant is classified as a Variant of Uncertain Significance.

This study involves interpretation of variants in research participants for the purpose of population health screening. Participant phenotype was not available at the time of variant classification. Additional details can be found in publication PMID: 35346344, PMCID: PMC8962531

Color Diagnostics, LLC DBA Color Health
Classification: Uncertain significance for Hereditary cancer-predisposing syndrome. Last evaluated: 2023-01-26. Review status: criteria provided, single submitter. Criteria: ACMG Guidelines, 2015. Collection method: clinical testing. Allele origin: germline.
Comment: This missense variant replaces leucine with proline at codon 454 of the PMS2 protein. Computational prediction suggests that this variant may not impact protein structure and function (internally defined REVEL score threshold <= 0.5, PMID: 27666373). To our knowledge, functional studies have not been reported for this variant. This variant has not been reported in individuals affected with PMS2-related disorders in the literature. This variant has been identified in 4/251488 chromosomes in the general population by the Genome Aggregation Database (gnomAD). The available evidence is insufficient to determine the role of this variant in disease conclusively. Therefore, this variant is classified as a Variant of Uncertain Significance.

Ambry Genetics
Classification: Likely benign for Hereditary cancer-predisposing syndrome. Last evaluated: 2018-04-23. Review status: criteria provided, single submitter. Criteria: Ambry Variant Classification Scheme 2023. Collection method: clinical testing. Allele origin: germline.

Literature cited by the submitters: PubMed 35449176 (cited by Labcorp Genetics (formerly Invitae), Labcorp); PubMed 28765196 (cited by Ambry Genetics).